The following is an entry in ClinVar:

ClinVar aggregate classification (germline): Pathogenic (1 of 4 stars; one submission).

Conditions:
DiGeorge syndrome. Also called: THIRD AND FOURTH PHARYNGEAL POUCH SYNDROME; Catch22. Identifiers: Orphanet 567, MedGen C0012236, MONDO:0008564, OMIM 188400.

Submission:

Labcorp Genetics (formerly Invitae), Labcorp
Classification: Pathogenic for DiGeorge syndrome. Last evaluated: 2023-03-21. Review status: criteria provided, single submitter. Criteria: Invitae Variant Classification Sherloc (09022015). Collection method: clinical testing. Allele origin: germline.
Comment: For these reasons, this variant has been classified as Pathogenic. This variant disrupts a region of the TBX1 protein in which other variant(s) (p.Tyr418Phefs*42) have been determined to be pathogenic (PMID: 24637876). This suggests that this is a clinically significant region of the protein, and that variants that disrupt it are likely to be disease-causing. This variant has not been reported in the literature in individuals affected with TBX1-related conditions. This variant is not present in population databases (gnomAD no frequency). This sequence change creates a premature translational stop signal (p.Glu409*) in the TBX1 gene. While this is not anticipated to result in nonsense mediated decay, it is expected to disrupt the last 87 amino acid(s) of the TBX1 protein.

Literature cited by the submitters: PubMed 24637876.

NM_001379200.1(TBX1):c.1252G>T (p.Glu418Ter)

Gene: TBX1 (T-box transcription factor 1; plus strand). Cytogenetic location: 22q11.21.
Variant type: single nucleotide variant.
Coding change: c.1252G>T on transcript NM_001379200.1 (MANE Select); coding-DNA position 1252, G replaced by T.
Protein change: p.Glu418Ter; replaces glutamic acid 418 with a stop codon.
Molecular consequence: nonsense. On other transcripts: intron variant (2).
Genome position (GRCh38, 1-based): chr22:19,766,604, G>T. VCF-style: chr22-19766604-G-T. GRCh37 (hg19) VCF-style: chr22-19754127-G-T.
Other names: c.1225G>T, p.Glu409Ter (NM_080647.1); c.1009+602G>T (NM_005992.1, NM_080646.2); short protein forms E409*, E418*.
Identifiers: ClinVar variation 2848356 (VCV002848356.3), dbSNP rs776268518, ClinGen allele CA410684699.